The following is an entry in ClinVar:

ClinVar aggregate classification (germline): Uncertain significance (1 of 4 stars; one submission).

Conditions:
Inborn genetic diseases. Identifiers: MedGen C0950123, MeSH D030342.

gnomAD v4.1: 3 of 1,614,214 alleles (0.00019%); highest among the groups gnomAD compares: South Asian, 0.0022%; no homozygotes.

Submission:

Ambry Genetics
Classification: Uncertain significance for Inborn genetic diseases. Last evaluated: 2026-05-11. Review status: criteria provided, single submitter. Criteria: Ambry Variant Classification Scheme 2023. Collection method: clinical testing. Allele origin: germline.
Comment: The c.2306C>T (p.T769I) alteration is located in exon 13 (coding exon 13) of the ASXL1 gene. This alteration results from a C to T substitution at nucleotide position 2306, causing the threonine (T) at amino acid position 769 to be replaced by an isoleucine (I). Based on data from gnomAD, the T allele has an overall frequency of <0.001% (1/251402) total alleles studied. The highest observed frequency was 0.003% (1/30616) of South Asian alleles. Based on insufficient or conflicting evidence, the clinical significance of this alteration remains unclear.

NM_015338.6(ASXL1):c.2306C>T (p.Thr769Ile)

Gene: ASXL1 (ASXL transcriptional regulator 1; plus strand). Cytogenetic location: 20q11.21.
Variant type: single nucleotide variant.
Coding change: c.2306C>T on transcript NM_015338.6 (MANE Select); coding-DNA position 2306, C replaced by T.
Protein change: p.Thr769Ile; replaces threonine 769 with isoleucine.
Molecular consequence: missense variant.
Genome position (GRCh38, 1-based): chr20:32,435,018, C>T. VCF-style: chr20-32435018-C-T. GRCh37 (hg19) VCF-style: chr20-31022821-C-T.
Other names: c.2123C>T, p.Thr708Ile (NM_001363734.1); short protein forms T769I, T708I.
Identifiers: ClinVar variation 4588405 (VCV004588405.2).